The following is an entry in ClinVar:

NM_021098.3(CACNA1H):c.3719C>T (p.Ala1240Val)

Gene: CACNA1H (calcium voltage-gated channel subunit alpha1 H; plus strand). Cytogenetic location: 16p13.3.
Variant type: single nucleotide variant.
Coding change: c.3719C>T on transcript NM_021098.3 (MANE Select); coding-DNA position 3719, C replaced by T.
Protein change: p.Ala1240Val; replaces alanine 1240 with valine.
Molecular consequence: missense variant.
Genome position (GRCh38, 1-based): chr16:1,209,387, C>T. VCF-style: chr16-1209387-C-T. GRCh37 (hg19) VCF-style: chr16-1259387-C-T.
Other names: c.3719C>T, p.Ala1240Val (NM_001005407.2); short protein forms A1240V.
Identifiers: ClinVar variation 4787683 (VCV004787683.1).

ClinVar aggregate classification (germline): Uncertain significance (1 of 4 stars; one submission).

Conditions:
Idiopathic generalized epilepsy. Also called: EIG; Generalised epilepsy. Identifiers: MedGen C0270850, MONDO:0005579, OMIM 600669.
Hyperaldosteronism, familial, type IV (HALD4). Also called: FH IV; ALDOSTERONISM, PRIMARY, AND HYPERTENSION. Identifiers: Orphanet 642671, MedGen C4310756, MONDO:0014875, OMIM 617027.

Submission:

Labcorp Genetics (formerly Invitae), Labcorp
Classification: Uncertain significance for Idiopathic generalized epilepsy; Hyperaldosteronism, familial, type IV. Last evaluated: 2025-03-20. Review status: criteria provided, single submitter. Criteria: Invitae Variant Classification Sherloc (09022015). Collection method: clinical testing. Allele origin: germline.
Comment: This sequence change replaces alanine, which is neutral and non-polar, with valine, which is neutral and non-polar, at codon 1240 of the CACNA1H protein (p.Ala1240Val). This variant is not present in population databases (gnomAD no frequency). This variant has not been reported in the literature in individuals affected with CACNA1H-related conditions. Invitae Evidence Modeling of protein sequence and biophysical properties (such as structural, functional, and spatial information, amino acid conservation, physicochemical variation, residue mobility, and thermodynamic stability) indicates that this missense variant is not expected to disrupt CACNA1H protein function with a negative predictive value of 80%. In summary, the available evidence is currently insufficient to determine the role of this variant in disease. Therefore, it has been classified as a Variant of Uncertain Significance.